The following is an entry in ClinVar:

NM_000302.4(PLOD1):c.290T>G (p.Leu97Arg)

Gene: PLOD1 (procollagen-lysine,2-oxoglutarate 5-dioxygenase 1; plus strand). Cytogenetic location: 1p36.22.
Variant type: single nucleotide variant.
Coding change: c.290T>G on transcript NM_000302.4 (MANE Select); coding-DNA position 290, T replaced by G.
Protein change: p.Leu97Arg; replaces leucine 97 with arginine.
Molecular consequence: missense variant.
Genome position (GRCh38, 1-based): chr1:11,949,894, T>G. VCF-style: chr1-11949894-T-G. GRCh37 (hg19) VCF-style: chr1-12009951-T-G.
Other names: c.431T>G, p.Leu144Arg (NM_001316320.2); short protein forms L97R, L144R.
Identifiers: ClinVar variation 2086145 (VCV002086145.2), dbSNP rs2522805345, ClinGen allele CA338426421.

ClinVar aggregate classification (germline): Uncertain significance (1 of 4 stars; one submission).

Conditions:
Ehlers-Danlos syndrome, kyphoscoliotic type 1 (EDSKSCL1). Also called: Ehlers-Danlos syndrome, hydroxylysine-deficient; EHLERS-DANLOS SYNDROME, TYPE VIA; EHLERS-DANLOS SYNDROME, OCULAR-SCOLIOTIC TYPE; PLOD1-Related Kyphoscoliotic Ehlers-Danlos Syndrome. Identifiers: Orphanet 1900, MedGen C0268342, MONDO:0016002, OMIM 225400. Disease mechanism: loss of function.

gnomAD v4.1: 18 of 1,614,134 alleles (0.0011%); highest among the groups gnomAD compares: Non-Finnish European, 0.0015%; no homozygotes.

Submission:

Labcorp Genetics (formerly Invitae), Labcorp
Classification: Uncertain significance for Ehlers-Danlos syndrome, kyphoscoliotic type 1. Last evaluated: 2025-09-02. Review status: criteria provided, single submitter. Criteria: Invitae Variant Classification Sherloc (09022015). Collection method: clinical testing. Allele origin: germline.
Comment: This sequence change replaces leucine, which is neutral and non-polar, with arginine, which is basic and polar, at codon 97 of the PLOD1 protein (p.Leu97Arg). This variant is not present in population databases (gnomAD no frequency). This variant has not been reported in the literature in individuals affected with PLOD1-related conditions. ClinVar contains an entry for this variant (Variation ID: 2086145). Invitae Evidence Modeling of protein sequence and biophysical properties (such as structural, functional, and spatial information, amino acid conservation, physicochemical variation, residue mobility, and thermodynamic stability) indicates that this missense variant is expected to disrupt PLOD1 protein function with a positive predictive value of 95%. In summary, the available evidence is currently insufficient to determine the role of this variant in disease. Therefore, it has been classified as a Variant of Uncertain Significance.